The following is an entry in ClinVar:

ClinVar aggregate classification (germline): Uncertain significance. Review status: criteria provided, multiple submitters, no conflicts (2 of 4 stars). 3 submissions from 3 submitters: Uncertain significance (3). Last evaluated 2025-08-13.

Allele frequency attached by ClinVar (database versions not stated): ExAC 0.00003; gnomAD 0.00006; gnomAD exomes 0.00006 and 0.00008; TOPMed 0.00007.
gnomAD v4.1: 126 of 1,577,892 alleles (0.008%); highest among the groups gnomAD compares: Non-Finnish European, 0.0095%; no homozygotes.

Submissions (3):

Ambry Genetics
Classification: Uncertain significance. Last evaluated: 2025-08-13. Review status: criteria provided, single submitter. Criteria: Ambry Variant Classification Scheme 2023. Collection method: clinical testing. Allele origin: germline.

Labcorp Genetics (formerly Invitae), Labcorp
Classification: Uncertain significance. Last evaluated: 2025-01-15. Review status: criteria provided, single submitter. Criteria: Invitae Variant Classification Sherloc (09022015). Collection method: clinical testing. Allele origin: germline.
Comment: This sequence change replaces threonine, which is neutral and polar, with isoleucine, which is neutral and non-polar, at codon 126 of the COQ7 protein (p.Thr126Ile). The frequency data for this variant in the population databases is considered unreliable, as metrics indicate poor data quality at this position in the gnomAD database. This variant has not been reported in the literature in individuals affected with COQ7-related conditions. ClinVar contains an entry for this variant (Variation ID: 1447680). An algorithm developed to predict the effect of missense changes on protein structure and function (PolyPhen-2) suggests that this variant is likely to be disruptive. In summary, the available evidence is currently insufficient to determine the role of this variant in disease. Therefore, it has been classified as a Variant of Uncertain Significance.

GeneDx
Classification: Uncertain significance. Last evaluated: 2022-05-09. Review status: criteria provided, single submitter. Criteria: GeneDx Variant Classification Process June 2021. Collection method: clinical testing. Allele origin: germline. Affected: yes.
Comment: Not observed at significant frequency in large population cohorts (gnomAD); In silico analysis supports that this missense variant has a deleterious effect on protein structure/function; Has not been previously published as pathogenic or benign to our knowledge

NM_016138.5(COQ7):c.377C>T (p.Thr126Ile)

Gene: COQ7 (coenzyme Q7, hydroxylase; plus strand). Cytogenetic location: 16p12.3.
Variant type: single nucleotide variant.
Coding change: c.377C>T on transcript NM_016138.5 (MANE Select); coding-DNA position 377, C replaced by T.
Protein change: p.Thr126Ile; replaces threonine 126 with isoleucine.
Molecular consequence: missense variant. On other transcripts: non-coding transcript variant (3).
Genome position (GRCh38, 1-based): chr16:19,075,730, C>T. VCF-style: chr16-19075730-C-T. GRCh37 (hg19) VCF-style: chr16-19087052-C-T.
Other names: c.263C>T, p.Thr88Ile (NM_001190983.2, NM_001370492.1, NM_001370493.1 and 2 more transcripts); c.335C>T, p.Thr112Ile (NM_001370489.1, NM_001370491.1); c.377C>T, p.Thr126Ile (NM_001370490.1); short protein forms T112I, T88I, T126I.
Identifiers: ClinVar variation 1447680 (VCV001447680.12), dbSNP rs765707914, ClinGen allele CA7933007.
Genomic context (GRCh38, chr16:19,075,730, plus strand): 5'-TACCGGTCATATCTGTCTCTTACTTTTCTGGTCTGGGTTTAACAATCCCAGGGGCGGGGA[C>T]CGCCTTGCTCGGGAAGGAAGGTGCCATGGCCTGCACCGTGGCGGTGGAAGAGAGCATAGC-3'
Protein context (NP_057222.2, residues 116-136): NVLGFALGAG[Thr126Ile]ALLGKEGAMA